The following is an entry in ClinVar:

ClinVar aggregate classification (germline): Uncertain significance (1 of 4 stars; one submission).

Conditions:
GNE myopathy (NM). Also called: NONAKA DISTAL MYOPATHY; INCLUSION BODY MYOPATHY, HEREDITARY, AUTOSOMAL RECESSIVE; INCLUSION BODY MYOPATHY 2, AUTOSOMAL RECESSIVE; MYOPATHY, DISTAL, WITH OR WITHOUT RIMMED VACUOLES; IBM 2; Inclusion body myopathy autosomal recessive. Identifiers: Orphanet 602, MedGen C1853926, MONDO:0011603, OMIM 605820.
Sialuria. Also called: SIALURIA, FRENCH TYPE; Sialic Acid Storage Disease. Identifiers: Orphanet 3166, MedGen C0342853, MONDO:0010028, OMIM 269921.

Submission:

Labcorp Genetics (formerly Invitae), Labcorp
Classification: Uncertain significance for Sialuria; GNE myopathy. Last evaluated: 2023-03-19. Review status: criteria provided, single submitter. Criteria: Invitae Variant Classification Sherloc (09022015). Collection method: clinical testing. Allele origin: germline.
Comment: This sequence change replaces leucine, which is neutral and non-polar, with proline, which is neutral and non-polar, at codon 438 of the GNE protein (p.Leu438Pro). This variant is not present in population databases (gnomAD no frequency). This variant has not been reported in the literature in individuals affected with GNE-related conditions. Advanced modeling of protein sequence and biophysical properties (such as structural, functional, and spatial information, amino acid conservation, physicochemical variation, residue mobility, and thermodynamic stability) has been performed at Invitae for this missense variant, however the output from this modeling did not meet the statistical confidence thresholds required to predict the impact of this variant on GNE protein function. In summary, the available evidence is currently insufficient to determine the role of this variant in disease. Therefore, it has been classified as a Variant of Uncertain Significance.

NM_005476.7(GNE):c.1220T>C (p.Leu407Pro)

Gene: GNE (glucosamine (UDP-N-acetyl)-2-epimerase/N-acetylmannosamine kinase; minus strand). Cytogenetic location: 9p13.3.
Variant type: single nucleotide variant.
Coding change: c.1220T>C on transcript NM_005476.7 (MANE Select); coding-DNA position 1220, T replaced by C.
Protein change: p.Leu407Pro; replaces leucine 407 with proline.
Molecular consequence: missense variant.
Genome position (GRCh38, 1-based): chr9:36,227,309, A>G on the plus strand (T>C on the coding strand, the complement: GNE is on the minus strand). VCF-style: chr9-36227309-A-G. GRCh37 (hg19) VCF-style: chr9-36227306-A-G.
Other names: c.1313T>C, p.Leu438Pro (NM_001128227.3); c.1220T>C, p.Leu407Pro (NM_001190383.3); c.890T>C, p.Leu297Pro (NM_001190384.3); c.1043T>C, p.Leu348Pro (NM_001190388.2, NM_001374798.1); c.1067T>C, p.Leu356Pro (NM_001374797.1); short protein forms L297P, L348P, L407P, L356P, L438P.
Identifiers: ClinVar variation 2945505 (VCV002945505.3), dbSNP rs2489662471, ClinGen allele CA373428718.